The following is an entry in ClinVar:

NM_007294.4(BRCA1):c.3100A>C (p.Asn1034His)

Gene: BRCA1 (BRCA1 DNA repair associated; minus strand). Cytogenetic location: 17q21.31.
Variant type: single nucleotide variant.
Coding change: c.3100A>C on transcript NM_007294.4 (MANE Select); coding-DNA position 3100, A replaced by C.
Protein change: p.Asn1034His; replaces asparagine 1034 with histidine.
Molecular consequence: missense variant. On other transcripts: intron variant (137).
Genome position (GRCh38, 1-based): chr17:43,092,431, T>G on the plus strand (A>C on the coding strand, the complement: BRCA1 is on the minus strand). VCF-style: chr17-43092431-T-G. GRCh37 (hg19) VCF-style: chr17-41244448-T-G.
Other names: c.545-1399A>C (NM_001408495.1); c.2896A>C, p.Asn966His (NM_001407875.1, NM_001407874.1); c.2890A>C, p.Asn964His (NM_001407879.1, NM_001407881.1, NM_001407882.1 and 13 more transcripts); c.2887A>C, p.Asn963His (NM_001407894.1, NM_001407571.1, NM_001407853.1 and 9 more transcripts); c.3100A>C, p.Asn1034His (NM_001407581.1, NM_001407582.1, NM_001407583.1 and 30 more transcripts); c.3097A>C, p.Asn1033His (NM_001407587.1, NM_001407590.1, NM_001407591.1 and 22 more transcripts); c.3091A>C, p.Asn1031His (NM_001407646.1, NM_001407647.1); c.2977A>C, p.Asn993His (NM_001407648.1, NM_001407664.1, NM_001407665.1 and 19 more transcripts); and 41 more; short protein forms N1008H, N1031H, N738H, N906H, N945H, N986H, N992H, N1007H.
Identifiers: ClinVar variation 2450684 (VCV002450684.2), dbSNP rs2154342594, ClinGen allele CA10595790.

ClinVar aggregate classification (germline): Uncertain significance (1 of 4 stars; one submission).

Conditions:
Hereditary cancer-predisposing syndrome. Also called: Neoplastic Syndromes, Hereditary; Tumor predisposition; Hereditary neoplastic syndrome; Hereditary Cancer Syndrome. Identifiers: Orphanet 140162, MedGen C0027672, MeSH D009386, MONDO:0015356.

Submission:

Ambry Genetics
Classification: Uncertain significance for Hereditary cancer-predisposing syndrome. Last evaluated: 2023-02-10. Review status: criteria provided, single submitter. Criteria: Ambry Variant Classification Scheme 2023. Collection method: clinical testing. Allele origin: germline.
Comment: The p.N1034H variant (also known as c.3100A>C), located in coding exon 9 of the BRCA1 gene, results from an A to C substitution at nucleotide position 3100. The asparagine at codon 1034 is replaced by histidine, an amino acid with similar properties. This amino acid position is poorly conserved in available vertebrate species. In addition, this alteration is predicted to be tolerated by in silico analysis. Since supporting evidence is limited at this time, the clinical significance of this alteration remains unclear.